The following is an entry in ClinVar:

NM_002439.5(MSH3):c.1113C>T (p.Ile371=)

Gene: MSH3 (mutS homolog 3; plus strand). Cytogenetic location: 5q14.1.
Variant type: single nucleotide variant.
Coding change: c.1113C>T on transcript NM_002439.5 (MANE Select); coding-DNA position 1113, C replaced by T.
Protein change: p.Ile371=; no amino-acid change (isoleucine 371 retained).
Molecular consequence: synonymous variant.
Genome position (GRCh38, 1-based): chr5:80,675,068, C>T. VCF-style: chr5-80675068-C-T. GRCh37 (hg19) VCF-style: chr5-79970887-C-T.
Other names: c.1113C>T (NM_002439.3).
Identifiers: ClinVar variation 2682012 (VCV002682012.3), dbSNP rs1263621443, ClinGen allele CA445159818.
Genomic context (GRCh38, chr5:80,675,068, plus strand): 5'-TGATGCTGTAAATGTTGATGAGATAATGACTGATACTTCTACCAGCTATCTTCTGTGCAT[C>T]TCTGAAAATAAGGAAAATGTTAGGGACAAAAAAAAGGGCAACATTTTTATTGGCATTGTG-3'
Protein context (NP_002430.3, residues 361-381): TDTSTSYLLC[Ile371=]SENKENVRDK

ClinVar aggregate classification (germline): Conflicting classifications of pathogenicity. Review status: criteria provided, conflicting classifications (1 of 4 stars). 2 submissions from 2 submitters: Uncertain significance (1); Likely benign (1). Last evaluated 2026-03-03.

Conditions:
Hereditary cancer-predisposing syndrome. Also called: Tumor predisposition; Hereditary Cancer Syndrome; Hereditary neoplastic syndrome; Neoplastic Syndromes, Hereditary. Identifiers: Orphanet 140162, MedGen C0027672, MeSH D009386, MONDO:0015356.

Allele frequency attached by ClinVar (database versions not stated): TOPMed below 0.00001; gnomAD 0.00001.
gnomAD v4.1: 1 of 1,613,416 alleles (0.000062%); highest among the groups gnomAD compares: East Asian, 0.0022%; no homozygotes.

Submissions (2):

Ambry Genetics
Classification: Likely benign for Hereditary cancer-predisposing syndrome. Last evaluated: 2026-03-03. Review status: criteria provided, single submitter. Criteria: Ambry Variant Classification Scheme 2023. Collection method: clinical testing. Allele origin: germline.

Quest Diagnostics Nichols Institute San Juan Capistrano
Classification: Uncertain significance. Last evaluated: 2023-11-08. Review status: criteria provided, single submitter. Criteria: Quest Diagnostics criteria. Collection method: clinical testing. Allele origin: unknown.
Comment: The MSH3 c.1113C>T (p.Ile371=) synonymous variant has not been reported in individuals with MSH3-related conditions in the published literature. The frequency of this variant in the general population, 0.0000066 (1/151928 chromosomes (Genome Aggregation Database)), is uninformative in the assessment of its pathogenicity. Analysis of this variant using software algorithms for the prediction of the effect of nucleotide changes on splicing yielded predictions that this variant does not affect MSH3 mRNA splicing. Based on the available information, we are unable to determine the clinical significance of this variant.